The following is an entry in ClinVar:

NM_182961.4(SYNE1):c.3977G>A (p.Arg1326His)

Gene: SYNE1 (spectrin repeat containing nuclear envelope protein 1; minus strand). Cytogenetic location: 6q25.2.
Variant type: single nucleotide variant.
Coding change: c.3977G>A on transcript NM_182961.4 (MANE Select); coding-DNA position 3977, G replaced by A.
Protein change: p.Arg1326His; replaces arginine 1326 with histidine.
Molecular consequence: missense variant.
Genome position (GRCh38, 1-based): chr6:152,442,106, C>T on the plus strand (G>A on the coding strand, the complement: SYNE1 is on the minus strand). VCF-style: chr6-152442106-C-T. GRCh37 (hg19) VCF-style: chr6-152763241-C-T.
Other names: p.Arg1333His; c.3977G>A (NM_182961.2); c.3998G>A (NM_033071.3); c.3998G>A, p.Arg1333His (NM_033071.5); short protein forms R1326H, R1333H.
Identifiers: ClinVar variation 597499 (VCV000597499.13), dbSNP rs371842938, ClinGen allele CA4058690.

ClinVar aggregate classification (germline): Uncertain significance. Review status: criteria provided, multiple submitters, no conflicts (2 of 4 stars). 4 submissions from 4 submitters: Uncertain significance (4). Last evaluated 2025-09-16.

Conditions:
Autosomal recessive ataxia, Beauce type. Also called: Spinocerebellar ataxia, autosomal recessive 8; ATAXIA, RECESSIVE, OF BEAUCE; SYNE1 Deficiency; SYNE1-Related Autosomal Recessive Cerebellar Ataxia. Identifiers: Orphanet 88644, MedGen C1853116, MONDO:0012549, OMIM 610743.
Emery-Dreifuss muscular dystrophy 4, autosomal dominant (EDMD4). Also called: EMERY-DREIFUSS MUSCULAR DYSTROPHY 4 WITH VARIABLE FEATURES. Identifiers: Orphanet 261, MedGen C2751807, MONDO:0013071, OMIM 612998.

Allele frequency attached by ClinVar (database versions not stated): TOPMed 0.00006.
gnomAD v4.1: 46 of 1,613,946 alleles (0.0029%); highest among the groups gnomAD compares: East Asian, 0.089%; no homozygotes.

Submissions (4):

Labcorp Genetics (formerly Invitae), Labcorp
Classification: Uncertain significance for Emery-Dreifuss muscular dystrophy 4, autosomal dominant; Autosomal recessive ataxia, Beauce type. Last evaluated: 2025-09-16. Review status: criteria provided, single submitter. Criteria: Invitae Variant Classification Sherloc (09022015). Collection method: clinical testing. Allele origin: germline.
Comment: This sequence change replaces arginine, which is basic and polar, with histidine, which is basic and polar, at codon 1333 of the SYNE1 protein (p.Arg1333His). This variant is present in population databases (rs371842938, gnomAD 0.09%). This variant has not been reported in the literature in individuals affected with SYNE1-related conditions. ClinVar contains an entry for this variant (Variation ID: 597499). An algorithm developed to predict the effect of missense changes on protein structure and function outputs the following: PolyPhen-2: "Benign". The histidine amino acid residue is found in multiple mammalian species, which suggests that this missense change does not adversely affect protein function. In summary, the available evidence is currently insufficient to determine the role of this variant in disease. Therefore, it has been classified as a Variant of Uncertain Significance.

Athena Diagnostics
Classification: Uncertain significance. Last evaluated: 2023-06-09. Review status: criteria provided, single submitter. Criteria: Athena Diagnostics Criteria. Collection method: clinical testing. Allele origin: unknown.
Comment: Available data are insufficient to determine the clinical significance of the variant at this time. The frequency of this variant in the general population is higher than would generally be expected for pathogenic variants in this gene. Computational tools predict that this variant is not damaging.

Mayo Clinic Laboratories, Mayo Clinic
Classification: Uncertain significance. Last evaluated: 2022-11-30. Review status: criteria provided, single submitter. Criteria: ACMG Guidelines, 2015. Collection method: clinical testing. Allele origin: germline. Observed: 1 variant allele.
Comment: BP4_strong

Eurofins Ntd Llc (ga)
Classification: Uncertain significance. Last evaluated: 2018-06-12. Review status: criteria provided, single submitter. Criteria: EGL ClinVar v180209 classification definitions. Collection method: clinical testing. Allele origin: germline. Observed: 1 variant allele, 1 heterozygote.